The following is an entry in ClinVar:

NM_001040108.2(MLH3):c.2283T>G (p.Tyr761Ter)

Gene: MLH3 (mutL homolog 3; minus strand). Cytogenetic location: 14q24.3.
Variant type: single nucleotide variant.
Coding change: c.2283T>G on transcript NM_001040108.2 (MANE Select); coding-DNA position 2283, T replaced by G.
Protein change: p.Tyr761Ter; replaces tyrosine 761 with a stop codon.
Molecular consequence: nonsense.
Genome position (GRCh38, 1-based): chr14:75,047,373, A>C on the plus strand (T>G on the coding strand, the complement: MLH3 is on the minus strand). VCF-style: chr14-75047373-A-C. GRCh37 (hg19) VCF-style: chr14-75514076-A-C.
Other names: c.2283T>G, p.Tyr761Ter (NM_014381.3); short protein forms Y761*.
Identifiers: ClinVar variation 3722565 (VCV003722565.2).
Genomic context (GRCh38, chr14:75,047,373, plus strand): 5'-ATTGGTAGTGACTCCATTACTTTCCTCTACTTCTGTATCCAGAGGATTTTCAACCTTCCC[A>C]TATTGCCTCTTAAACTTCTCTAAAGATCCTAGCTGTGAACTCAAGCTTAGCTTCTTACGG-3'

ClinVar aggregate classification (germline): Uncertain significance (1 of 4 stars; one submission).

Conditions:
Colorectal cancer, hereditary nonpolyposis, type 7. Identifiers: Orphanet 144, MedGen C1858380, MONDO:0013725, OMIM 614385.

Submission:

Labcorp Genetics (formerly Invitae), Labcorp
Classification: Uncertain significance for Colorectal cancer, hereditary nonpolyposis, type 7. Last evaluated: 2024-10-09. Review status: criteria provided, single submitter. Criteria: Invitae Variant Classification Sherloc (09022015). Collection method: clinical testing. Allele origin: germline.
Comment: This sequence change creates a premature translational stop signal (p.Tyr761*) in the MLH3 gene. It is expected to result in an absent or disrupted protein product. However, the current clinical and genetic evidence is not sufficient to establish whether loss-of-function variants in MLH3 cause disease. This variant is not present in population databases (gnomAD no frequency). This variant has not been reported in the literature in individuals affected with MLH3-related conditions. In summary, the available evidence is currently insufficient to determine the role of this variant in disease. Therefore, it has been classified as a Variant of Uncertain Significance.